The following is an entry in ClinVar:

ClinVar aggregate classification (germline): Pathogenic (1 of 4 stars; one submission).

Conditions:
Pyruvate carboxylase deficiency. Also called: ATAXIA WITH LACTIC ACIDOSIS II; LEIGH NECROTIZING ENCEPHALOPATHY DUE TO PYRUVATE CARBOXYLASE DEFICIENCY; LEIGH SYNDROME DUE TO PYRUVATE CARBOXYLASE DEFICIENCY; PC DEFICIENCY; Pyruvate Carboxylase Deficiency Disease. Identifiers: Orphanet 3008, MedGen C0034341, MONDO:0009949, OMIM 266150.

Submission:

Myriad Genetics, Inc.
Classification: Pathogenic for Pyruvate carboxylase deficiency. Last evaluated: 2024-05-13. Review status: criteria provided, single submitter. Criteria: Myriad Autosomal Dominant, Autosomal Recessive and X-Linked Classification Criteria (2023). Collection method: clinical testing. Allele origin: unknown.
Comment: NM_000920.3(PC):c.1942delG(A648Lfs*100) is expected to be pathogenic in the context of pyruvate carboxylase deficiency. This variant is predicted to lead to an abnormal or absent protein product due to the creation of a premature termination codon in PC, a gene where loss-of-function variants are known to be pathogenic. Please note: this variant was assessed in the context of healthy population screening.

NM_001040716.2(PC):c.1942del (p.Ala648fs)

Gene: PC (pyruvate carboxylase; minus strand). Cytogenetic location: 11q13.2.
Variant type: Deletion.
Coding change: c.1942del on transcript NM_001040716.2 (MANE Select); coding-DNA position 1942, one base deleted (G; older notation c.1942delG).
Protein change: p.Ala648fs; shifts the reading frame from alanine 648.
Molecular consequence: frameshift variant.
Genome position (GRCh38, 1-based): chr11:66,851,830, C deleted on the plus strand (G on the coding strand, the reverse complement: PC is on the minus strand). VCF-style (leftmost placement, unchanged base first): chr11-66851829-GC-G. GRCh37 (hg19) VCF-style: chr11-66619300-GC-G.
Other names: c.1942del, p.Ala648fs (NM_000920.4, NM_001439352.1, NM_001439353.1 and 5 more transcripts); short protein forms A648fs.
Identifiers: ClinVar variation 5013046 (VCV005013046.1).
Genomic context (GRCh38, chr11:66,851,829, plus strand): 5'-CCCACCCCACCCCAGGCTCACTTGAAGACCACGTTGTCTGGGTAGTTGGTGTAGCCCACA[GC>G]ATTGGCCCCCCGCAGCAGCATCTGGAAAGGGATGTTGGGGATGAGCTCCCGGAGCTCCTG-3'